The following is an entry in ClinVar:

NM_001267550.2(TTN):c.98507G>A (p.Arg32836Gln)

Genes: TTN (titin; minus strand), TTN-AS1 (TTN antisense RNA 1; plus strand). Cytogenetic location: 2q31.2.
Variant type: single nucleotide variant.
Coding change: c.98507G>A on transcript NM_001267550.2 (MANE Select); coding-DNA position 98507, G replaced by A.
Protein change: p.Arg32836Gln; replaces arginine 32836 with glutamine.
Molecular consequence: missense variant. On other transcripts: non-coding transcript variant (1).
Genome position (GRCh38, 1-based): chr2:178,539,558, C>T on the plus strand (G>A on the coding strand, the complement: TTN is on the minus strand). VCF-style: chr2-178539558-C-T. GRCh37 (hg19) VCF-style: chr2-179404285-C-T.
Other names: c.93584G>A, p.Arg31195Gln (NM_001256850.1); c.71312G>A, p.Arg23771Gln (NM_003319.4); c.90803G>A, p.Arg30268Gln (NM_133378.4); c.71687G>A, p.Arg23896Gln (NM_133432.3); c.71888G>A, p.Arg23963Gln (NM_133437.4); short protein forms R23771Q, R23896Q, R23963Q, R30268Q, R31195Q, R32836Q.
Identifiers: ClinVar variation 1800831 (VCV001800831.2), dbSNP rs368312810, ClinGen allele CA1986367.

ClinVar aggregate classification (germline): Uncertain significance (1 of 4 stars; one submission).

Allele frequency attached by ClinVar (database versions not stated): gnomAD exomes 0.00001; TOPMed 0.00002; gnomAD 0.00001; ESP Exome Variant Server 0.00008; ExAC 0.00002.
gnomAD v4.1: 18 of 1,613,686 alleles (0.0011%); highest among the groups gnomAD compares: Middle Eastern, 0.016%; no homozygotes.

Submission:

GeneDx
Classification: Uncertain significance. Last evaluated: 2025-07-02. Review status: criteria provided, single submitter. Criteria: GeneDx Variant Classification Process June 2021. Collection method: clinical testing. Allele origin: germline.
Comment: Not observed at significant frequency in large population cohorts (gnomAD); Missense variant in a gene in which most reported pathogenic variants are truncating/loss of function; Has not been previously published as pathogenic or benign to our knowledge